The following is an entry in ClinVar:

GRCh38/hg38 22q11.21(chr22:18177786-21101267)x1

Genes: AIFM3 (AIF family member 3; plus strand), ARVCF (ARVCF delta catenin family member; minus strand), C22orf39 (chromosome 22 open reading frame 39; minus strand), CCDC188 (coiled-coil domain containing 188; minus strand), CDC45 (cell division cycle 45; plus strand) and 186 more. Cytogenetic location: 22q11.21.
Variant type: copy number loss.
Change: copy number 1 (one copy instead of two) of chr22:18,177,786-21,101,267 (2.92 Mb, GRCh38 coordinates, 1-based), cytogenetic band 22q11.21.
Identifiers: ClinVar variation 57558 (VCV000057558.2).

ClinVar aggregate classification (germline): Pathogenic (1 of 4 stars; one submission).

Submission:

ISCA Site 6
Classification: Pathogenic. Last evaluated: 2011-08-12. Review status: criteria provided, single submitter. Criteria: Kaminsky et al. (Genet Med. 2011). Collection method: clinical testing. Allele origin: de novo, unknown. Affected: yes. Observed: 8 variant alleles. Clinical features observed: Hydronephrosis (HP:0000126), Developmental delay AND/OR other significant developmental or morphological phenotypes, Abnormal facial shape (HP:0001999), Intrauterine growth retardation (HP:0001511), Failure to thrive (HP:0001508), Abnormality of cardiac morphology (HP:0001627), Global developmental delay (HP:0001263), Spastic diplegia (HP:0001264), Short stature (HP:0004322), Tracheomalacia (HP:0002779), Cleft palate (HP:0000175), Language impairment (HP:0002463), and 4 more.
Comment: Copy number variation identified through the course of routine clinical cytogenomic testing in postnatal populations. Clinical assertions have been curated as described in Kaminsky et al. 2011.